The following is an entry in ClinVar:

ClinVar aggregate classification (germline): Uncertain significance (1 of 4 stars; one submission).

Conditions:
Hereditary breast ovarian cancer syndrome. Also called: Hereditary breast and ovarian cancer; Breast and ovarian cancer; BRCA1- and BRCA2-Associated Hereditary Breast and Ovarian Cancer; Hereditary breast and/or ovarian cancer syndrome; Hereditary breast and ovarian cancer syndrome; Hereditary breast and ovarian cancer syndrome (HBOC). Identifiers: Orphanet 145, MedGen C0677776, MeSH D061325, MONDO:0003582. Disease mechanism: loss of function.

Submission:

Labcorp Genetics (formerly Invitae), Labcorp
Classification: Uncertain significance for Hereditary breast ovarian cancer syndrome. Last evaluated: 2021-06-09. Review status: criteria provided, single submitter. Criteria: Invitae Variant Classification Sherloc (09022015). Collection method: clinical testing. Allele origin: germline.
Comment: This sequence change replaces serine with cysteine at codon 2442 of the BRCA2 protein (p.Ser2442Cys). The serine residue is moderately conserved and there is a moderate physicochemical difference between serine and cysteine. This variant is not present in population databases (ExAC no frequency). This variant has not been reported in the literature in individuals with BRCA2-related conditions. Advanced modeling of protein sequence and biophysical properties (such as structural, functional, and spatial information, amino acid conservation, physicochemical variation, residue mobility, and thermodynamic stability) performed at Invitae indicates that this missense variant is not expected to disrupt BRCA2 protein function. In summary, the available evidence is currently insufficient to determine the role of this variant in disease. Therefore, it has been classified as a Variant of Uncertain Significance.

NM_000059.4(BRCA2):c.7325C>G (p.Ser2442Cys)

Gene: BRCA2 (BRCA2 DNA repair associated; plus strand). Cytogenetic location: 13q13.1.
Variant type: single nucleotide variant.
Coding change: c.7325C>G on transcript NM_000059.4 (MANE Select); coding-DNA position 7325, C replaced by G.
Protein change: p.Ser2442Cys; replaces serine 2442 with cysteine.
Molecular consequence: missense variant.
Genome position (GRCh38, 1-based): chr13:32,355,178, C>G. VCF-style: chr13-32355178-C-G. GRCh37 (hg19) VCF-style: chr13-32929315-C-G.
Other names: short protein forms S2442C.
Identifiers: ClinVar variation 1461114 (VCV001461114.8), dbSNP rs2137558041, ClinGen allele CA387741134.